The following is an entry in ClinVar:

ClinVar aggregate classification (germline): Likely pathogenic. Review status: criteria provided, single submitter (1 of 4 stars). 3 submissions from 3 submitters: Likely pathogenic (1). 2 of the submissions do not count toward it. Last evaluated 2025-05-13.

Conditions:
Congenital myopathy 4B, autosomal recessive. Also called: Nemaline myopathy 1, autosomal dominant or recessive. Identifiers: Orphanet 171433, Orphanet 171439, Orphanet 171881, MedGen C5829889, MONDO:0012239, OMIM 609284.

Submissions (3):

3billion
Classification: Likely pathogenic for Congenital myopathy 4B, autosomal recessive. Last evaluated: 2025-05-13. Review status: criteria provided, single submitter. Criteria: ACMG Guidelines, 2015. Collection method: clinical testing. Allele origin: germline. Affected: yes.
Comment: The variant is not observed in the gnomAD v4.1.0 dataset. Predicted Consequence/Location: Frameshift: predicted to result in a loss or disruption of normal protein function through protein truncation. The predicted truncated protein may be shortened by less than 10%. The variant has been observed in at least two similarly affected unrelated individuals (PMID: 18382475). The variant has been reported to co-segregate with the disease in at least one similarly affected relative/individual in the same family or similarly affected unrelated families (PMID: 18382475). The variant has been reported to be associated with TPM3-related disorder (ClinVar ID: VCV000012451). Therefore, this variant is classified as Likely pathogenic according to the recommendation of ACMG/AMP guideline.

OMIM
Classification: Pathogenic for CONGENITAL MYOPATHY 4B, AUTOSOMAL RECESSIVE. Last evaluated: 2008-09-01. Review status: no assertion criteria provided. Collection method: literature only. Allele origin: germline. Not counted in ClinVar's aggregate classification.

TPM3 homepage - Leiden Muscular Dystrophy pages
No classification provided. Review status: no classification provided. Collection method: not provided. Allele origin: germline. Not counted in ClinVar's aggregate classification.

Literature cited by the submitters: PubMed 18382475 (cited by 3billion and OMIM).

NM_152263.4(TPM3):c.855del (p.Ter286AsnextTer?)

Gene: TPM3 (tropomyosin 3; minus strand). Cytogenetic location: 1q21.3.
Variant type: Deletion.
Coding change: c.855del on transcript NM_152263.4 (MANE Select); coding-DNA position 855, one base deleted (A; older notation c.855delA).
Protein change: p.Ter286AsnextTer?.
Molecular consequence: frameshift variant. On other transcripts: intron variant (12).
Genome position (GRCh38, 1-based): chr1:154,167,940, T deleted on the plus strand (A on the coding strand, the reverse complement: TPM3 is on the minus strand). VCF-style (leftmost placement, unchanged base first): chr1-154167939-AT-A. GRCh37 (hg19) VCF-style: chr1-154140415-AT-A.
Other names: p.*286Asnext*74; c.855del, p.Ter286AsnextTer? (NM_001364682.1); c.744del, p.Ter249AsnextTer? (NM_001364683.1); c.775+2460del (NM_001364679.2, NM_001364681.2, NM_001364680.2); c.466+2460del (NM_001278188.2); c.664+2460del (NM_001043351.2, NM_001043353.2, NM_153649.4 and 1 more transcripts); c.743+1365del (NM_001349679.2, NM_001278189.2); c.601+2460del (NM_001278190.2); and 1 more.
Identifiers: ClinVar variation 12451 (VCV000012451.4), dbSNP rs199474719, ClinGen allele CA232702.